The following is an entry in ClinVar:

NM_000136.3(FANCC):c.1551_1552del (p.Glu517fs)

Genes: AOPEP (aminopeptidase O (putative); plus strand), FANCC (FA complementation group C; minus strand). Cytogenetic location: 9q22.32.
Variant type: Microsatellite.
Coding change: c.1551_1552del on transcript NM_000136.3 (MANE Select); coding-DNA positions 1551 to 1552, 2 bases deleted (GA; older notation c.1551_1552delGA).
Protein change: p.Glu517fs; shifts the reading frame from glutamic acid 517.
Molecular consequence: frameshift variant.
Genome position (GRCh38, 1-based): chr9:95,101,832-95,101,833, TC deleted on the plus strand (GA on the coding strand, the reverse complement: FANCC is on the minus strand); deleting any 2 consecutive bases within chr9:95,101,832-95,101,835 gives the same sequence; the c. name uses the placement nearest the transcript's 3' end. VCF-style (leftmost placement, unchanged base first): chr9-95101831-ATC-A. GRCh37 (hg19) VCF-style: chr9-97864113-ATC-A.
Other names: c.1551_1552del, p.Glu517fs (NM_001243743.2); short protein forms E517fs.
Identifiers: ClinVar variation 2809579 (VCV002809579.3), dbSNP rs2540750877, ClinGen allele CA2739269362.
Genomic context (GRCh38, chr9:95,101,831, plus strand): 5'-ATGCCAAGACGATTCCATCTGTACAAGGTCTGGTCAAGAAAGCCAATGATCTCGTGAGTT[ATC>A]TCAGCAGTGTGAGCCATCTGCAATCAGGACAGAAGAGAAGGCAAATTAAAACACTTTCCA-3'

ClinVar aggregate classification (germline): Pathogenic (1 of 4 stars; one submission).

Conditions:
Fanconi anemia (FA). Also called: Fanconi's anemia. Identifiers: Orphanet 84, MedGen C0015625, MeSH D005199, MONDO:0019391.

Submission:

Labcorp Genetics (formerly Invitae), Labcorp
Classification: Pathogenic for Fanconi anemia. Last evaluated: 2023-08-08. Review status: criteria provided, single submitter. Criteria: Invitae Variant Classification Sherloc (09022015). Collection method: clinical testing. Allele origin: germline.
Comment: For these reasons, this variant has been classified as Pathogenic. This variant disrupts a region of the FANCC protein in which other variant(s) (p.Arg548) have been determined to be pathogenic (PMID: 8103176, 8882868, 24584348). This suggests that this is a clinically significant region of the protein, and that variants that disrupt it are likely to be disease-causing. This variant has not been reported in the literature in individuals affected with FANCC-related conditions. This variant is not present in population databases (gnomAD no frequency). This sequence change creates a premature translational stop signal (p.Glu517Aspfs*10) in the FANCC gene. While this is not anticipated to result in nonsense mediated decay, it is expected to disrupt the last 42 amino acid(s) of the FANCC protein.

Literature cited by the submitters: PubMed 8103176; PubMed 8882868; PubMed 24584348.